The following is an entry in ClinVar:

NM_000108.5(DLD):c.118+1G>T

Gene: DLD (dihydrolipoamide dehydrogenase; plus strand). Cytogenetic location: 7q31.1.
Variant type: single nucleotide variant.
Coding change: c.118+1G>T on transcript NM_000108.5 (MANE Select); the canonical splice donor site of the intron after coding-DNA position 118, G replaced by T.
Molecular consequence: splice donor variant.
Genome position (GRCh38, 1-based): chr7:107,893,279, G>T. VCF-style: chr7-107893279-G-T. GRCh37 (hg19) VCF-style: chr7-107533724-G-T.
Other names: c.118+1G>T (NM_000108.4, NM_001289752.1, NM_001289751.1); c.-31+1G>T (NM_001289750.1).
Identifiers: ClinVar variation 557660 (VCV000557660.3), dbSNP rs1554396908, ClinGen allele CA368853119.

ClinVar aggregate classification (germline): Pathogenic. Review status: criteria provided, single submitter (1 of 4 stars). 2 submissions from 2 submitters: Pathogenic (1). 1 of the submissions does not count toward it. Last evaluated 2026-01-04.

Conditions:
Pyruvate dehydrogenase E3 deficiency (DLDD). Also called: Lipoamide dehydrogenase deficiency, lactic acidosis due to; Lipoamide dehydrogenase deficiency; Dihydrolipoamide Dehydrogenase (E3) Deficiency; Dihydrolipoamide Dehydrogenase E3 Deficiency; MAPLE SYRUP URINE DISEASE, TYPE III; DLD DEFICIENCY. Identifiers: Orphanet 2394, Orphanet 765, MedGen C5574660, MONDO:0009529, OMIM 246900.

Submissions (2):

Natera, Inc.
Classification: Pathogenic for Maple syrup urine disease type 3. Last evaluated: 2026-01-04. Review status: criteria provided, single submitter. Criteria: Natera Variant Classification Schema (03/2026). Collection method: clinical testing. Allele origin: germline.
Comment: The c.118+1G>T variant in DLD is a canonical splice donor site variant predicted to affect pre-mRNA splicing, which may result in an abnormal transcript and altered protein product. This variant is expected to result in nonsense mediated decay, truncation, or a dysfunctional protein product. This variant is rare in the general population with a frequency below the threshold expected for the associated phenotype(s). This variant has been observed in one or more individuals affected with the associated recessive disease, as either homozygous or compound heterozygous with a second variant (PMID: 25251739). Given the available evidence, this variant is classified as Pathogenic.

Counsyl
Classification: Likely pathogenic for Pyruvate dehydrogenase E3 deficiency. Last evaluated: 2018-04-03. Review status: no assertion criteria provided. Collection method: clinical testing. Allele origin: unknown. Not counted in ClinVar's aggregate classification.

Literature cited by the submitters: PubMed 25251739 (cited by Natera, Inc. and Counsyl).